The following is an entry in ClinVar:

ClinVar aggregate classification (germline): Pathogenic (1 of 4 stars; one submission).

Conditions:
Fanconi anemia (FA). Also called: Fanconi's anemia. Identifiers: Orphanet 84, MedGen C0015625, MeSH D005199, MONDO:0019391.

Submission:

Labcorp Genetics (formerly Invitae), Labcorp
Classification: Pathogenic for Fanconi anemia. Last evaluated: 2022-07-23. Review status: criteria provided, single submitter. Criteria: Invitae Variant Classification Sherloc (09022015). Collection method: clinical testing. Allele origin: germline.
Comment: For these reasons, this variant has been classified as Pathogenic. This sequence change creates a premature translational stop signal (p.Tyr393*) in the FANCI gene. It is expected to result in an absent or disrupted protein product. Loss-of-function variants in FANCI are known to be pathogenic (PMID: 17452773, 17460694). This variant is not present in population databases (gnomAD no frequency). This variant has not been reported in the literature in individuals affected with FANCI-related conditions.

Literature cited by the submitters: PubMed 17452773; PubMed 17460694.

NM_001113378.2(FANCI):c.1179T>A (p.Tyr393Ter)

Gene: FANCI (FA complementation group I; plus strand). Cytogenetic location: 15q26.1.
Variant type: single nucleotide variant.
Coding change: c.1179T>A on transcript NM_001113378.2 (MANE Select); coding-DNA position 1179, T replaced by A.
Protein change: p.Tyr393Ter; replaces tyrosine 393 with a stop codon.
Molecular consequence: nonsense.
Genome position (GRCh38, 1-based): chr15:89,276,777, T>A. VCF-style: chr15-89276777-T-A. GRCh37 (hg19) VCF-style: chr15-89820008-T-A.
Other names: c.900T>A, p.Tyr300Ter (NM_001376910.1); c.1179T>A, p.Tyr393Ter (NM_001376911.1, NM_018193.3); short protein forms Y300*, Y393*.
Identifiers: ClinVar variation 2019263 (VCV002019263.4), dbSNP rs3743377, ClinGen allele CA393742131.